The following is an entry in ClinVar:

NM_004366.6(CLCN2):c.166C>T (p.Arg56Trp)

Gene: CLCN2 (chloride voltage-gated channel 2; minus strand). Cytogenetic location: 3q27.1.
Variant type: single nucleotide variant.
Coding change: c.166C>T on transcript NM_004366.6 (MANE Select); coding-DNA position 166, C replaced by T.
Protein change: p.Arg56Trp; replaces arginine 56 with tryptophan.
Molecular consequence: missense variant.
Genome position (GRCh38, 1-based): chr3:184,359,029, G>A on the plus strand (C>T on the coding strand, the complement: CLCN2 is on the minus strand). VCF-style: chr3-184359029-G-A. GRCh37 (hg19) VCF-style: chr3-184076817-G-A.
Other names: c.166C>T, p.Arg56Trp (NM_001171087.3, NM_001171088.3, NM_001171089.3); short protein forms R56W.
Identifiers: ClinVar variation 3898348 (VCV003898348.7).

ClinVar aggregate classification (germline): Uncertain significance (1 of 4 stars; one submission).

gnomAD v4.1: 31 of 1,613,510 alleles (0.0019%); highest among the groups gnomAD compares: South Asian, 0.0088%; no homozygotes.

Submission:

CeGaT Center for Human Genetics Tuebingen
Classification: Uncertain significance. Last evaluated: 2025-04-01. Review status: criteria provided, single submitter. Criteria: CeGaT Center For Human Genetics Tuebingen Variant Classification Criteria Version 2. Collection method: clinical testing. Allele origin: germline. Affected: yes. Observed: 1 variant allele.
Comment: CLCN2: PM2